The following is an entry in ClinVar:

ClinVar aggregate classification (germline): Uncertain significance (1 of 4 stars; one submission).

Conditions:
Charcot-Marie-Tooth disease type 2. Also called: Charcot-Marie-Tooth type 2. Identifiers: Orphanet 64746, MedGen C0270914, MONDO:0018993.

Submission:

Labcorp Genetics (formerly Invitae), Labcorp
Classification: Uncertain significance for Charcot-Marie-Tooth disease type 2. Last evaluated: 2025-10-01. Review status: criteria provided, single submitter. Criteria: Invitae Variant Classification Sherloc (09022015). Collection method: clinical testing. Allele origin: germline.
Comment: This sequence change falls in intron 15 of the AARS gene. It does not directly change the encoded amino acid sequence of the AARS protein. It affects a nucleotide within the consensus splice site. This variant is not present in population databases (gnomAD no frequency). This variant has not been reported in the literature in individuals affected with AARS-related conditions. ClinVar contains an entry for this variant (Variation ID: 1975254). Variants that disrupt the consensus splice site are a relatively common cause of aberrant splicing (PMID: 17576681, 9536098). Algorithms developed to predict the effect of sequence changes on RNA splicing suggest that this variant may disrupt the consensus splice site. In summary, the available evidence is currently insufficient to determine the role of this variant in disease. Therefore, it has been classified as a Variant of Uncertain Significance.

Literature cited by the submitters: PubMed 17576681; PubMed 9536098.

NM_001605.3(AARS1):c.2177+6T>A

Gene: AARS1 (alanyl-tRNA synthetase 1; minus strand). Cytogenetic location: 16q22.1.
Variant type: single nucleotide variant.
Coding change: c.2177+6T>A on transcript NM_001605.3 (MANE Select); 6 bases into the intron after coding-DNA position 2177, T replaced by A.
Molecular consequence: intron variant.
Genome position (GRCh38, 1-based): chr16:70,258,027, A>T on the plus strand (T>A on the coding strand, the complement: AARS1 is on the minus strand). VCF-style: chr16-70258027-A-T. GRCh37 (hg19) VCF-style: chr16-70291930-A-T.
Identifiers: ClinVar variation 1975254 (VCV001975254.5), dbSNP rs2506996006, ClinGen allele CA2580091893.